The following is an entry in ClinVar:

NM_024529.5(CDC73):c.687_688del (p.Arg229fs)

Gene: CDC73 (cell division cycle 73; plus strand). Cytogenetic location: 1q31.2.
Variant type: Microsatellite.
Coding change: c.687_688del on transcript NM_024529.5 (MANE Select); coding-DNA positions 687 to 688, 2 bases deleted (AG; older notation c.687_688delAG).
Protein change: p.Arg229fs; shifts the reading frame from arginine 229.
Molecular consequence: frameshift variant.
Genome position (GRCh38, 1-based): chr1:193,142,024-193,142,025, AG deleted; deleting any 2 consecutive bases within chr1:193,142,016-193,142,025 gives the same sequence; the c. name uses the placement nearest the transcript's 3' end. VCF-style (leftmost placement, unchanged base first): chr1-193142015-CAG-C. GRCh37 (hg19) VCF-style: chr1-193111145-CAG-C.
Other names: short protein forms R229fs.
Identifiers: ClinVar variation 1076788 (VCV001076788.11), dbSNP rs760591174, ClinGen allele CA645522225.

ClinVar aggregate classification (germline): Pathogenic. Review status: criteria provided, multiple submitters, no conflicts (2 of 4 stars). 2 submissions from 2 submitters: Pathogenic (2). Last evaluated 2024-12-12.

Conditions:
Parathyroid carcinoma (PRTC). Also called: Parathyroid gland carcinoma; CDC73-Related Parathyroid Carcinoma. Identifiers: Orphanet 143, MedGen C0687150, MONDO:0012004, OMIM 608266, HP:0006780.
Hyperparathyroidism 2 with jaw tumors. Also called: Hyperparathyroidism 2; HYPERPARATHYROIDISM, FAMILIAL PRIMARY, WITH MULTIPLE OSSIFYING JAW FIBROMAS; HYPERPARATHYROIDISM-JAW TUMOR SYNDROME, HEREDITARY; Hyperparathyroidism-Jaw Tumor Syndrome. Identifiers: Orphanet 99880, MedGen C1704981, MONDO:0007768, OMIM 145001.

Submissions (2):

Labcorp Genetics (formerly Invitae), Labcorp
Classification: Pathogenic for Parathyroid carcinoma. Last evaluated: 2024-12-12. Review status: criteria provided, single submitter. Criteria: Invitae Variant Classification Sherloc (09022015). Collection method: clinical testing. Allele origin: germline.
Comment: This sequence change creates a premature translational stop signal (p.Arg229Serfs*37) in the CDC73 gene. It is expected to result in an absent or disrupted protein product. Loss-of-function variants in CDC73 are known to be pathogenic (PMID: 12434154). This variant is not present in population databases (gnomAD no frequency). This premature translational stop signal has been observed in individual(s) with hyperparathyroidism and/or hyperparathyroidism-jaw tumor syndrome (PMID: 12960210, 22987117, 23293331, 29040582). This variant is also known as c.679delAG. For these reasons, this variant has been classified as Pathogenic.

MGZ Medical Genetics Center
Classification: Pathogenic for Hyperparathyroidism 2 with jaw tumors. Last evaluated: 2021-11-22. Review status: criteria provided, single submitter. Criteria: ACMG Guidelines, 2015. Collection method: clinical testing. Allele origin: germline. Affected: yes. Observed: 1 variant allele.
Comment: ACMG criteria applied: PVS1, PS4_MOD, PM2_SUP

Literature cited by the submitters: PubMed 12434154 (cited by Labcorp Genetics (formerly Invitae), Labcorp); PubMed 12960210 (cited by Labcorp Genetics (formerly Invitae), Labcorp); PubMed 22987117 (cited by Labcorp Genetics (formerly Invitae), Labcorp); PubMed 23293331 (cited by Labcorp Genetics (formerly Invitae), Labcorp); PubMed 29040582 (cited by Labcorp Genetics (formerly Invitae), Labcorp).